The following is an entry in ClinVar:

NM_152703.5(SAMD9L):c.3229C>T (p.Arg1077Ter)

Gene: SAMD9L (sterile alpha motif domain containing 9 like; minus strand). Cytogenetic location: 7q21.2.
Variant type: single nucleotide variant.
Coding change: c.3229C>T on transcript NM_152703.5 (MANE Select); coding-DNA position 3229, C replaced by T.
Protein change: p.Arg1077Ter; replaces arginine 1077 with a stop codon.
Molecular consequence: nonsense.
Genome position (GRCh38, 1-based): chr7:93,132,743, G>A on the plus strand (C>T on the coding strand, the complement: SAMD9L is on the minus strand). VCF-style: chr7-93132743-G-A. GRCh37 (hg19) VCF-style: chr7-92762056-G-A.
Other names: c.3229C>T, p.Arg1077Ter (NM_001303496.3, NM_001303497.3, NM_001303498.3 and 5 more transcripts); short protein forms R1077*.
Identifiers: ClinVar variation 975834 (VCV000975834.12), dbSNP rs373868315, ClinGen allele CA4343480.
Genomic context (GRCh38, chr7:93,132,743, plus strand): 5'-TCTCTTTAATGTAGAAATGTCTTGCTAAGGCTTGACAAATGAATGCATTTTGTGGGAATC[G>A]TCTACTTCCTGCACTCAAGACCTTTTCAATGTCTTTATTCTGTAAAGCTTCCATTAATGG-3'

ClinVar aggregate classification (germline): Uncertain significance. Review status: criteria provided, multiple submitters, no conflicts (2 of 4 stars). 3 submissions from 3 submitters: Uncertain significance (2). 1 of the submissions does not count toward it. Last evaluated 2025-02-02.

Conditions:
Ataxia-pancytopenia syndrome (ATXPC). Also called: SAMD9L Ataxia-Pancytopenia Syndrome; SAMD9L-Related Syndrome. Identifiers: Orphanet 2585, MedGen C1327919, MONDO:0008038, OMIM 159550.

Allele frequency attached by ClinVar (database versions not stated): gnomAD exomes below 0.00001; TOPMed 0.00004; ESP Exome Variant Server 0.00008; ExAC 0.00001.

Submissions (3):

Labcorp Genetics (formerly Invitae), Labcorp
Classification: Uncertain significance. Last evaluated: 2025-02-02. Review status: criteria provided, single submitter. Criteria: Invitae Variant Classification Sherloc (09022015). Collection method: clinical testing. Allele origin: germline.
Comment: This sequence change creates a premature translational stop signal (p.Arg1077*) in the SAMD9L gene. While this is not anticipated to result in nonsense mediated decay, it is expected to disrupt the last 508 amino acid(s) of the SAMD9L protein. This variant is present in population databases (rs373868315, gnomAD 0.003%). This variant has not been reported in the literature in individuals affected with SAMD9L-related conditions. ClinVar contains an entry for this variant (Variation ID: 975834). In summary, the available evidence is currently insufficient to determine the role of this variant in disease. Therefore, it has been classified as a Variant of Uncertain Significance.

GeneDx
Classification: Uncertain significance. Last evaluated: 2024-09-13. Review status: criteria provided, single submitter. Criteria: GeneDx Variant Classification Process June 2021. Collection method: clinical testing. Allele origin: germline.
Comment: Nonsense variant predicted to result in protein truncation or nonsense mediated decay in a gene for which loss-of-function is not a known mechanism of disease; Not observed at significant frequency in large population cohorts (gnomAD); Observed by whole genome sequencing in an individual with unspecified clinical history (PMID: 33726816); This variant is associated with the following publications: (PMID: 33726816)

Clinical Genomics Laboratory, Stanford Medicine
Classification: Uncertain significance for Ataxia-pancytopenia syndrome. Last evaluated: 2018-11-09. Review status: no assertion criteria provided. Collection method: clinical testing. Allele origin: germline. Inheritance: Autosomal dominant inheritance. Affected: yes. Not counted in ClinVar's aggregate classification.
Comment: The p.Arg1077* variant in the SAMD9L gene has not been previously reported in association with disease. The p.Arg1077* variant has been identified in 1/34514 Latino individuals by the Genome Aggregation Database. The p.Arg1077* variant results in a premature stop codon in the last exon of SAMD9L. Premature termination at this location is not predicted to undergo nonsense-mediated decay, increasing the likelihood of an expressed protein. Previously reported disease-causing variants in SAMD9L are missense variants and are predicted to result in a gain of function mechanism of disease. The p.Arg1077* variant is expected to cause truncation of the protein and therefore the loss of predicted functional domains which may impact the protein function. These data were assessed using the ACMG/AMP variant interpretation guidelines. In summary, the significance of the p.Arg1077* variant is uncertain. Additional information regarding the impact of truncating variants in this gene, and the specific functional impact of this variant is needed to resolve the significance of this variant. [ACMG evidence codes used: PM2, PM4]